The following is an entry in ClinVar:

NM_004370.6(COL12A1):c.7697C>T (p.Ala2566Val)

Gene: COL12A1 (collagen type XII alpha 1 chain; minus strand). Cytogenetic location: 6q13.
Variant type: single nucleotide variant.
Coding change: c.7697C>T on transcript NM_004370.6 (MANE Select); coding-DNA position 7697, C replaced by T.
Protein change: p.Ala2566Val; replaces alanine 2566 with valine.
Molecular consequence: missense variant.
Genome position (GRCh38, 1-based): chr6:75,115,784, G>A on the plus strand (C>T on the coding strand, the complement: COL12A1 is on the minus strand). VCF-style: chr6-75115784-G-A. GRCh37 (hg19) VCF-style: chr6-75825500-G-A.
Other names: c.4205C>T, p.Ala1402Val (NM_080645.3); short protein forms A1402V, A2566V.
Identifiers: ClinVar variation 835145 (VCV000835145.13), dbSNP rs780133855, ClinGen allele CA3892497.

ClinVar aggregate classification (germline): Uncertain significance. Review status: criteria provided, multiple submitters, no conflicts (2 of 4 stars). 3 submissions from 3 submitters: Uncertain significance (3). Last evaluated 2025-12-22.

Conditions:
Ullrich congenital muscular dystrophy 2 (UCMD2). Identifiers: Orphanet 75840, MedGen C4225314, MONDO:0014654, OMIM 616470.
Bethlem myopathy 2 (BTHLM2). Identifiers: Orphanet 536516, Orphanet 610, MedGen C4225313, MONDO:0034022, OMIM 616471.

Allele frequency attached by ClinVar (database versions not stated): gnomAD exomes below 0.00001; ExAC 0.00001; gnomAD 0.00001; TOPMed 0.00002.
gnomAD v4.1: 18 of 1,605,062 alleles (0.0011%); highest among the groups gnomAD compares: South Asian, 0.0056%; no homozygotes.

Submissions (3):

Women's Health and Genetics/Laboratory Corporation of America, LabCorp
Classification: Uncertain significance. Last evaluated: 2025-12-22. Review status: criteria provided, single submitter. Criteria: LabCorp Variant Classification Summary - May 2015. Collection method: clinical testing. Allele origin: germline.
Comment: Variant summary: COL12A1 c.7697C>T (p.Ala2566Val) results in a non-conservative amino acid change located in the Thrombospondin N-terminal-like domains (IPR048287) of the encoded protein sequence. Algorithms developed to predict the effect of missense changes on protein structure and function are either unavailable or do not agree on the potential impact of this missense change. Consensus agreement among computation tools predict no significant impact on normal splicing. However, these predictions have yet to be confirmed by functional studies. The variant allele was found at a frequency of 4.2e-06 in 240572 control chromosomes. The available data on variant occurrences in the general population are insufficient to allow any conclusion about variant significance. To our knowledge, no occurrence of c.7697C>T in individuals affected with COL12A1-related conditions and no experimental evidence demonstrating its impact on protein function have been reported. The following publications have been ascertained in the context of this evaluation (PMID: 33057194, 35982159). ClinVar contains an entry for this variant (Variation ID: 835145). Based on the evidence outlined above, the variant was classified as uncertain significance.

Labcorp Genetics (formerly Invitae), Labcorp
Classification: Uncertain significance for Bethlem myopathy 2; Ullrich congenital muscular dystrophy 2. Last evaluated: 2024-12-08. Review status: criteria provided, single submitter. Criteria: Invitae Variant Classification Sherloc (09022015). Collection method: clinical testing. Allele origin: germline.
Comment: This sequence change replaces alanine, which is neutral and non-polar, with valine, which is neutral and non-polar, at codon 2566 of the COL12A1 protein (p.Ala2566Val). The frequency data for this variant in the population databases is considered unreliable, as metrics indicate poor data quality at this position in the gnomAD database. This missense change has been observed in individual(s) with developmental delay and/or autism (PMID: 33057194, 35982159). ClinVar contains an entry for this variant (Variation ID: 835145). An algorithm developed to predict the effect of missense changes on protein structure and function outputs the following: PolyPhen-2: "Benign". The valine amino acid residue is found in multiple mammalian species, which suggests that this missense change does not adversely affect protein function. In summary, the available evidence is currently insufficient to determine the role of this variant in disease. Therefore, it has been classified as a Variant of Uncertain Significance.

Revvity Omics, Revvity
Classification: Uncertain significance. Last evaluated: 2019-06-24. Review status: criteria provided, single submitter. Criteria: ACMG Guidelines, 2015. Collection method: clinical testing. Allele origin: germline.

Literature cited by the submitters: PubMed 35982159 (cited by Women's Health and Genetics/Laboratory Corporation of America, LabCorp and Labcorp Genetics (formerly Invitae), Labcorp); PubMed 33057194 (cited by Women's Health and Genetics/Laboratory Corporation of America, LabCorp and Labcorp Genetics (formerly Invitae), Labcorp).